The following is an entry in ClinVar:

NM_022726.4(ELOVL4):c.-252G>A

Gene: ELOVL4 (ELOVL fatty acid elongase 4; minus strand). Cytogenetic location: 6q14.1.
Variant type: single nucleotide variant.
Coding change: c.-252G>A on transcript NM_022726.4 (MANE Select); 252 bases upstream of the start codon, G replaced by A.
Molecular consequence: 5 prime UTR variant.
Genome position (GRCh38, 1-based): chr6:79,947,531, C>T on the plus strand (G>A on the coding strand, the complement: ELOVL4 is on the minus strand). VCF-style: chr6-79947531-C-T. GRCh37 (hg19) VCF-style: chr6-80657248-C-T.
Identifiers: ClinVar variation 358159 (VCV000358159.5), dbSNP rs539142746, ClinGen allele CA10624793.

ClinVar aggregate classification (germline): Likely benign (1 of 4 stars; one submission).

Conditions:
Stargardt disease 3. Also called: MACULAR DYSTROPHY WITH FLECKS, TYPE 3; STARGARDT-LIKE MACULAR DYSTROPHY, AUTOSOMAL DOMINANT. Identifiers: Orphanet 827, MedGen C1838644, MONDO:0010819, OMIM 600110.

Allele frequency attached by ClinVar (database versions not stated): 1000 Genomes Project 0.00040; 1000 Genomes Project 30x 0.00047; TOPMed 0.00126.
gnomAD v4.1: 704 of 524,514 alleles (0.13%); highest among the groups gnomAD compares: Non-Finnish European, 0.22%; 2 homozygotes.

Submission:

Illumina Laboratory Services, Illumina
Classification: Likely benign for Stargardt disease 3. Last evaluated: 2018-01-13. Review status: criteria provided, single submitter. Criteria: ICSL Variant Classification Criteria 13 December 2019. Collection method: clinical testing. Allele origin: germline.
Comment: This variant was observed in the ICSL laboratory as part of a predisposition screen in an ostensibly healthy population. It had not been previously curated by ICSL or reported in the Human Gene Mutation Database (HGMD: prior to June 1st, 2018), and was therefore a candidate for classification through an automated scoring system. Utilizing variant allele frequency, disease prevalence and penetrance estimates, and inheritance mode, an automated score was calculated to assess if this variant is too frequent to cause the disease. Based on the score and internal cut-off values, a variant classified as likely benign is not then subjected to further curation. The score for this variant resulted in a classification of likely benign for this disease.